The following is an entry in ClinVar:

NM_001126128.2(PROK2):c.241A>C (p.Arg81=)

Gene: PROK2 (prokineticin 2; minus strand). Cytogenetic location: 3p13.
Variant type: single nucleotide variant.
Coding change: c.241A>C on transcript NM_001126128.2 (MANE Select); coding-DNA position 241, A replaced by C.
Protein change: p.Arg81=; no amino-acid change (arginine 81 retained).
Molecular consequence: synonymous variant. On other transcripts: intron variant (1).
Genome position (GRCh38, 1-based): chr3:71,774,489, T>G on the plus strand (A>C on the coding strand, the complement: PROK2 is on the minus strand). VCF-style: chr3-71774489-T-G. GRCh37 (hg19) VCF-style: chr3-71823640-T-G.
Other names: c.223-1661A>C (NM_021935.4).
Identifiers: ClinVar variation 5002424 (VCV005002424.1).

ClinVar aggregate classification (germline): Likely benign (1 of 4 stars; one submission).

Conditions:
PROK2-related disorder. Also called: PROK2-related condition.

Submission:

PreventionGenetics, part of Exact Sciences
Classification: Likely benign for PROK2-related condition. Last evaluated: 2025-03-05. Review status: criteria provided, single submitter. Criteria: ACMG Guidelines, 2015. Collection method: clinical testing. Allele origin: germline.
Comment: This variant is classified as likely benign based on ACMG/AMP sequence variant interpretation guidelines (Richards et al. 2015 PMID: 25741868, with internal and published modifications).